The following is an entry in ClinVar:

NC_000016.9:g.(2142594_2142954)_(2150568_2152061)del

Gene: PKD1 (polycystin 1, transient receptor potential channel interacting; minus strand). Cytogenetic location: 16p13.3.
Variant type: Deletion.
Identifiers: ClinVar variation 3768078 (VCV003768078.1).

ClinVar aggregate classification (germline): Pathogenic (1 of 4 stars; one submission).

Conditions:
Polycystic kidney disease, adult type (PKD1). Also called: Polycystic Kidney Disease 1, Autosomal Dominant; Polycystic kidney disease 1; Polycystic kidney disease 1, severe; POLYCYSTIC KIDNEY DISEASE, ADULT, TYPE I; Polycystic Kidney, Autosomal Dominant; POLYCYSTIC KIDNEY DISEASE 1 WITH OR WITHOUT POLYCYSTIC LIVER DISEASE. Identifiers: MedGen C3149841, MONDO:0008263, OMIM 173900.

Submission:

Women's Health and Genetics/Laboratory Corporation of America, LabCorp
Classification: Pathogenic for Polycystic kidney disease, adult type. Last evaluated: 2024-12-12. Review status: criteria provided, single submitter. Criteria: LabCorp Variant Classification Summary - May 2015. Collection method: clinical testing. Allele origin: germline.
Comment: Variant summary: The variant involves the deletion of exons 27-38 in the PKD1 gene. This Copy Number Variant (CNV) is expected to alter the reading frame and predicted to result in a truncation or absence of the encoded protein due to nonsense mediated decay (NMD). A presumed nomenclature of c.(9397+1_9398-1)_(11156+1_11157-1)del has been designated for the purposes of this classification. The variant was absent in 21684 control chromosomes. Similar deletion has been reported in the literature in at-least one individual affected with Bilateral renal cysts (example: Bekheirnia_2021). The following publication has been ascertained in the context of this evaluation (PMID: 35368817). No submitters have cited clinical-significance assessments for this variant to ClinVar. Based on the evidence outlined above, the variant was classified as pathogenic.

Literature cited by the submitters: PubMed 35368817.